The following is an entry in ClinVar:

NM_014444.5(TUBGCP4):c.331-5T>G

Gene: TUBGCP4 (tubulin gamma complex component 4; plus strand). Cytogenetic location: 15q15.3.
Variant type: single nucleotide variant.
Coding change: c.331-5T>G on transcript NM_014444.5 (MANE Select); 5 bases into the intron before coding-DNA position 331, T replaced by G.
Molecular consequence: intron variant.
Genome position (GRCh38, 1-based): chr15:43,377,009, T>G. VCF-style: chr15-43377009-T-G. GRCh37 (hg19) VCF-style: chr15-43669207-T-G.
Other names: c.331-5T>G (NM_001286414.3).
Identifiers: ClinVar variation 2091305 (VCV002091305.1), dbSNP rs1322264782, ClinGen allele CA617649254.

ClinVar aggregate classification (germline): Uncertain significance (1 of 4 stars; one submission).

Allele frequency attached by ClinVar (database versions not stated): TOPMed below 0.00001.
gnomAD v4.1: 6 of 1,612,886 alleles (0.00037%); highest among the groups gnomAD compares: Non-Finnish European, 0.00051%; no homozygotes.

Submission:

Labcorp Genetics (formerly Invitae), Labcorp
Classification: Uncertain significance. Last evaluated: 2022-02-01. Review status: criteria provided, single submitter. Criteria: Invitae Variant Classification Sherloc (09022015). Collection method: clinical testing. Allele origin: germline.
Comment: This sequence change falls in intron 3 of the TUBGCP4 gene. It does not directly change the encoded amino acid sequence of the TUBGCP4 protein. This variant is present in population databases (no rsID available, gnomAD 0.0009%). This variant has not been reported in the literature in individuals affected with TUBGCP4-related conditions. Algorithms developed to predict the effect of sequence changes on RNA splicing suggest that this variant may disrupt the consensus splice site. In summary, the available evidence is currently insufficient to determine the role of this variant in disease. Therefore, it has been classified as a Variant of Uncertain Significance.